The following is an entry in ClinVar:

ClinVar aggregate classification (germline): Uncertain significance (1 of 4 stars; one submission).

Allele frequency attached by ClinVar (database versions not stated): ExAC 0.00002; TOPMed 0.00002.

Submission:

Labcorp Genetics (formerly Invitae), Labcorp
Classification: Uncertain significance. Last evaluated: 2022-09-16. Review status: criteria provided, single submitter. Criteria: Invitae Variant Classification Sherloc (09022015). Collection method: clinical testing. Allele origin: germline.
Comment: In summary, the available evidence is currently insufficient to determine the role of this variant in disease. Therefore, it has been classified as a Variant of Uncertain Significance. Algorithms developed to predict the effect of missense changes on protein structure and function (SIFT, PolyPhen-2, Align-GVGD) all suggest that this variant is likely to be tolerated. This variant has not been reported in the literature in individuals affected with DGKZ-related conditions. This variant is present in population databases (rs753553170, gnomAD 0.01%). This sequence change replaces glutamine, which is neutral and polar, with arginine, which is basic and polar, at codon 271 of the DGKZ protein (p.Gln271Arg).

NM_001199267.2(DGKZ):c.245A>G (p.Gln82Arg)

Gene: DGKZ (diacylglycerol kinase zeta; plus strand). Cytogenetic location: 11p11.2.
Variant type: single nucleotide variant.
Coding change: c.245A>G on transcript NM_001199267.2 (MANE Select); coding-DNA position 245, A replaced by G.
Protein change: p.Gln82Arg; replaces glutamine 82 with arginine.
Molecular consequence: missense variant.
Genome position (GRCh38, 1-based): chr11:46,367,374, A>G. VCF-style: chr11-46367374-A-G. GRCh37 (hg19) VCF-style: chr11-46388924-A-G.
Other names: c.812A>G, p.Gln271Arg (NM_001105540.2); c.245A>G, p.Gln82Arg (NM_001199266.2, NM_001199268.2, NM_003646.4); c.296A>G, p.Gln99Arg (NM_201532.3); c.260A>G, p.Gln87Arg (NM_201533.3); short protein forms Q82R, Q99R, Q271R, Q87R.
Identifiers: ClinVar variation 1919899 (VCV001919899.5), dbSNP rs753553170, ClinGen allele CA5962267.